The following is an entry in ClinVar:

ClinVar aggregate classification (germline): Uncertain significance (1 of 4 stars; one submission).

Conditions:
Peutz-Jeghers syndrome (PJS). Also called: Peutz-Jeghers polyposis; Periorificial lentiginosis syndrome; POLYPOSIS, HAMARTOMATOUS INTESTINAL; POLYPS-AND-SPOTS SYNDROME. Identifiers: Orphanet 2869, MedGen C0031269, MeSH D010580, MONDO:0008280, OMIM 175200.

Submission:

Labcorp Genetics (formerly Invitae), Labcorp
Classification: Uncertain significance for Peutz-Jeghers syndrome. Last evaluated: 2016-04-19. Review status: criteria provided, single submitter. Criteria: Invitae Variant Classification Sherloc (09022015). Collection method: clinical testing. Allele origin: germline.
Comment: In summary, this variant is a novel missense change that is not predicted to affect protein function. There is no indication that it causes disease, but the available evidence is currently insufficient to prove that conclusively. Therefore, it has been classified as a Variant of Uncertain Significance. Algorithms developed to predict the effect of missense changes on protein structure and function (SIFT, PolyPhen-2, Align-GVGD) all suggest that this variant is likely to be tolerated, but these predictions have not been confirmed by published functional studies. This variant is not present in population databases (ExAC no frequency) and has not been reported in the literature in individuals with a STK11-related disease. This sequence change replaces aspartic acid with asparagine at codon 350 of the STK11 protein (p.Asp350Asn). The aspartic acid residue is weakly conserved and there is a small physicochemical difference between aspartic acid and asparagine.

NM_000455.5(STK11):c.1048G>A (p.Asp350Asn)

Genes: STK11 (serine/threonine kinase 11; plus strand), LOC130062899 (ATAC-STARR-seq lymphoblastoid active region 13597; plus strand). Cytogenetic location: 19p13.3.
Variant type: single nucleotide variant.
Coding change: c.1048G>A on transcript NM_000455.5 (MANE Select); coding-DNA position 1048, G replaced by A.
Protein change: p.Asp350Asn; replaces aspartic acid 350 with asparagine.
Molecular consequence: missense variant.
Genome position (GRCh38, 1-based): chr19:1,223,112, G>A. VCF-style: chr19-1223112-G-A. GRCh37 (hg19) VCF-style: chr19-1223111-G-A.
Other names: short protein forms D350N.
Identifiers: ClinVar variation 403767 (VCV000403767.7), dbSNP rs1060499955, ClinGen allele CA16616237.